The following is an entry in ClinVar:

NM_001122630.2(CDKN1C):c.437C>T (p.Ala146Val)

Gene: CDKN1C (cyclin dependent kinase inhibitor 1C; minus strand). Cytogenetic location: 11p15.4.
Variant type: single nucleotide variant.
Coding change: c.437C>T on transcript NM_001122630.2 (MANE Select); coding-DNA position 437, C replaced by T.
Protein change: p.Ala146Val; replaces alanine 146 with valine.
Molecular consequence: missense variant. On other transcripts: intron variant (1).
Genome position (GRCh38, 1-based): chr11:2,885,020, G>A on the plus strand (C>T on the coding strand, the complement: CDKN1C is on the minus strand). VCF-style: chr11-2885020-G-A. GRCh37 (hg19) VCF-style: chr11-2906250-G-A.
Other names: c.470C>T, p.Ala157Val (NM_000076.2, NM_001362474.2); c.437C>T, p.Ala146Val (NM_001122631.2); c.255+182C>T (NM_001362475.2); short protein forms A146V, A157V.
Identifiers: ClinVar variation 1463024 (VCV001463024.6), dbSNP rs1848951869, ClinGen allele CA379146634.

ClinVar aggregate classification (germline): Uncertain significance (1 of 4 stars; one submission).

Conditions:
Beckwith-Wiedemann syndrome (BWS). Also called: Exomphalos macroglossia gigantism syndrome; EMG SYNDROME. Identifiers: Orphanet 116, MedGen C0004903, MONDO:0007534, OMIM 130650.

Submission:

Labcorp Genetics (formerly Invitae), Labcorp
Classification: Uncertain significance for Beckwith-Wiedemann syndrome. Last evaluated: 2024-05-19. Review status: criteria provided, single submitter. Criteria: Invitae Variant Classification Sherloc (09022015). Collection method: clinical testing. Allele origin: germline.
Comment: This sequence change replaces alanine, which is neutral and non-polar, with valine, which is neutral and non-polar, at codon 157 of the CDKN1C protein (p.Ala157Val). This variant is not present in population databases (gnomAD no frequency). This variant has not been reported in the literature in individuals affected with CDKN1C-related conditions. ClinVar contains an entry for this variant (Variation ID: 1463024). Algorithms developed to predict the effect of missense changes on protein structure and function output the following: SIFT: "Not Available"; PolyPhen-2: "Not Available"; Align-GVGD: "Not Available". The valine amino acid residue is found in multiple mammalian species, which suggests that this missense change does not adversely affect protein function. In summary, the available evidence is currently insufficient to determine the role of this variant in disease. Therefore, it has been classified as a Variant of Uncertain Significance.